The following is an entry in ClinVar:

NM_001297.5(CNGB1):c.135G>A (p.Glu45=)

Gene: CNGB1 (cyclic nucleotide gated channel subunit beta 1; minus strand). Cytogenetic location: 16q21.
Variant type: single nucleotide variant.
Coding change: c.135G>A on transcript NM_001297.5 (MANE Select); coding-DNA position 135, G replaced by A.
Protein change: p.Glu45=; no amino-acid change (glutamic acid 45 retained).
Molecular consequence: synonymous variant.
Genome position (GRCh38, 1-based): chr16:57,967,152, C>T on the plus strand (G>A on the coding strand, the complement: CNGB1 is on the minus strand). VCF-style: chr16-57967152-C-T. GRCh37 (hg19) VCF-style: chr16-58001056-C-T.
Other names: c.135G>A, p.Glu45= (NM_001135639.2, NM_001286130.2).
Identifiers: ClinVar variation 2646564 (VCV002646564.24), dbSNP rs2544685513, ClinGen allele CA495650259.
Genomic context (GRCh38, chr16:57,967,152, plus strand): 5'-AGGCCGGCCTGCCCCTCCTCCCGCTCTACCTCTCACCATGGACTCGGACTCTGTCTCGGC[C>T]TCCTCAGGATTCGGTTCTGGTTCCACCTCCGCCTCCATCTCTGGCTCTGGTTCCACTTCC-3'
Protein context (NP_001288.3, residues 35-55): AEVEPEPNPE[Glu45=]AETESESMPP

ClinVar aggregate classification (germline): Likely benign (1 of 4 stars; one submission).

Submission:

CeGaT Center for Human Genetics Tuebingen
Classification: Likely benign. Last evaluated: 2022-03-01. Review status: criteria provided, single submitter. Criteria: CeGaT Center For Human Genetics Tuebingen Variant Classification Criteria Version 2. Collection method: clinical testing. Allele origin: germline. Affected: yes. Observed: 1 variant allele.
Comment: CNGB1: BP4, BP7